The following is an entry in ClinVar:

ClinVar aggregate classification (germline): Uncertain significance (1 of 4 stars; one submission).

Conditions:
Sialuria. Also called: SIALURIA, FRENCH TYPE; Sialic Acid Storage Disease. Identifiers: Orphanet 3166, MedGen C0342853, MONDO:0010028, OMIM 269921.
GNE myopathy (NM). Also called: INCLUSION BODY MYOPATHY 2, AUTOSOMAL RECESSIVE; MYOPATHY, DISTAL, WITH OR WITHOUT RIMMED VACUOLES; IBM 2; Inclusion body myopathy autosomal recessive; Inclusion body myopathy quadriceps sparing; NONAKA DISTAL MYOPATHY. Identifiers: Orphanet 602, MedGen C1853926, MONDO:0011603, OMIM 605820.

Allele frequency attached by ClinVar (database versions not stated): gnomAD exomes below 0.00001.
gnomAD v4.1: 1 of 1,612,844 alleles (0.000062%); highest among the groups gnomAD compares: Non-Finnish European, 0.000085%; no homozygotes.

Submission:

Labcorp Genetics (formerly Invitae), Labcorp
Classification: Uncertain significance for Sialuria; GNE myopathy. Last evaluated: 2022-03-18. Review status: criteria provided, single submitter. Criteria: Invitae Variant Classification Sherloc (09022015). Collection method: clinical testing. Allele origin: germline.
Comment: This sequence change falls in intron 9 of the GNE gene. It does not directly change the encoded amino acid sequence of the GNE protein. It affects a nucleotide within the consensus splice site. This variant is not present in population databases (gnomAD no frequency). This variant has not been reported in the literature in individuals affected with GNE-related conditions. Variants that disrupt the consensus splice site are a relatively common cause of aberrant splicing (PMID: 17576681, 9536098). Algorithms developed to predict the effect of sequence changes on RNA splicing suggest that this variant is not likely to affect RNA splicing. In summary, the available evidence is currently insufficient to determine the role of this variant in disease. Therefore, it has been classified as a Variant of Uncertain Significance.

Literature cited by the submitters: PubMed 17576681; PubMed 9536098.

NM_005476.7(GNE):c.1634-3T>C

Gene: GNE (glucosamine (UDP-N-acetyl)-2-epimerase/N-acetylmannosamine kinase; minus strand). Cytogenetic location: 9p13.3.
Variant type: single nucleotide variant.
Coding change: c.1634-3T>C on transcript NM_005476.7 (MANE Select); 3 bases into the intron before coding-DNA position 1634, T replaced by C.
Molecular consequence: intron variant.
Genome position (GRCh38, 1-based): chr9:36,220,023, A>G on the plus strand (T>C on the coding strand, the complement: GNE is on the minus strand). VCF-style: chr9-36220023-A-G. GRCh37 (hg19) VCF-style: chr9-36220020-A-G.
Other names: c.1457-3T>C (NM_001190388.2, NM_001374798.1); c.1727-3T>C (NM_001128227.3); c.1304-3T>C (NM_001190384.3); c.1481-3T>C (NM_001374797.1); c.1412-3T>C (NM_001190383.3).
Identifiers: ClinVar variation 1377493 (VCV001377493.6), dbSNP rs2133007346, ClinGen allele CA2573144638.